The following is an entry in ClinVar:

ClinVar aggregate classification (germline): Uncertain significance. Review status: criteria provided, multiple submitters, no conflicts (2 of 4 stars). 2 submissions from 2 submitters: Uncertain significance (2). Last evaluated 2025-12-22.

Submissions (2):

Labcorp Genetics (formerly Invitae), Labcorp
Classification: Uncertain significance. Last evaluated: 2025-12-22. Review status: criteria provided, single submitter. Criteria: Invitae Variant Classification Sherloc (09022015). Collection method: clinical testing. Allele origin: germline.
Comment: This variant, c.408_440del, results in the deletion of 11 amino acid(s) of the AEBP1 protein (p.Lys154_Pro164del), but otherwise preserves the integrity of the reading frame. This variant is present in population databases (rs747344345, gnomAD 0.02%). This variant has not been reported in the literature in individuals affected with AEBP1-related conditions. ClinVar contains an entry for this variant (Variation ID: 1427700). Experimental studies and prediction algorithms are not available or were not evaluated, and the functional significance of this variant is currently unknown. In summary, the available evidence is currently insufficient to determine the role of this variant in disease. Therefore, it has been classified as a Variant of Uncertain Significance.

Women's Health and Genetics/Laboratory Corporation of America, LabCorp
Classification: Uncertain significance. Last evaluated: 2025-10-20. Review status: criteria provided, single submitter. Criteria: LabCorp Variant Classification Summary - May 2015. Collection method: clinical testing. Allele origin: germline.
Comment: Variant summary: AEBP1 c.408_440del33 (p.Lys154_Pro164del) results in an in-frame deletion that is predicted to remove 11 amino acids from the encoded protein. The variant allele was found at a frequency of 2.8e-05 in 247904 control chromosomes. The available data on variant occurrences in the general population are insufficient to allow any conclusion about variant significance. To our knowledge, no occurrence of c.408_440del33 in individuals affected with AEBP1-related conditions and no experimental evidence demonstrating its impact on protein function have been reported. ClinVar contains an entry for this variant (Variation ID: 1427700). Based on the evidence outlined above, the variant was classified as uncertain significance.

NM_001129.5(AEBP1):c.408_440del (p.121KEKPPKATKKP[3])

Gene: AEBP1 (AE binding protein 1; plus strand). Cytogenetic location: 7p13.
Variant type: Deletion.
Coding change: c.408_440del on transcript NM_001129.5 (MANE Select); coding-DNA positions 408 to 440, 33 bases deleted.
Protein change: p.121KEKPPKATKKP[3].
Molecular consequence: inframe deletion.
Genome position (GRCh38, 1-based): chr7:44,106,700-44,106,732, 33 bases deleted; deleting any 33 consecutive bases within chr7:44,106,668-44,106,732 gives the same sequence; the c. name uses the placement nearest the transcript's 3' end. GRCh37 (hg19): chr7:44,146,299-44,146,331.
Other names: c.408_440del33 (NM_001129.5).
Identifiers: ClinVar variation 1427700 (VCV001427700.5), dbSNP rs747344345, ClinGen allele CA4237470.
Genomic context (GRCh38, chr7:44,106,667, plus strand): 5'-GCCCAAGGAGTCCTTGGAGGGGTCCCCCAGGCCGCCCAAGAAGGGGAAGGAGAAGCCACC[CAAGGCCACCAAGAAGCCCAAGGAGAAGCCACCT>C]AAGGCCACCAAGAAGCCCAAGGAGAAGCCACCCAAGGCCACCAAGAAGCCCAAAGAGAAG-3'